The following is an entry in ClinVar:

NM_005993.5(TBCD):c.1976A>G (p.His659Arg)

Gene: TBCD (tubulin folding cofactor D). Cytogenetic location: 17q25.3.
Variant type: single nucleotide variant.
Coding change: c.1976A>G on transcript NM_005993.5 (MANE Select); coding-DNA position 1976, A replaced by G.
Protein change: p.His659Arg; replaces histidine 659 with arginine.
Molecular consequence: missense variant.
Genome position (GRCh38, 1-based): chr17:82,907,814, A>G. VCF-style: chr17-82907814-A-G. GRCh37 (hg19) VCF-style: chr17-80865690-A-G.
Other names: c.1925A>G, p.His642Arg (NM_001411101.1); c.1895A>G, p.His632Arg (NM_001411102.1); short protein forms H642R, H632R, H659R.
Identifiers: ClinVar variation 2113345 (VCV002113345.4), dbSNP rs1361179113, ClinGen allele CA401631505.
Genomic context (GRCh38, chr17:82,907,814, plus strand): 5'-TCTGCAGGCCCGTCACGGACCATCTGGACGAGCAGGCAGTGCAGGGCCTGAAGCAGATTC[A>G]CCAGCAGGTTTGTGTGCAGCCTCTGGGTGTACCCTCAGGAGGCATCACAGGACCTGCCCC-3'
Protein context (NP_005984.3, residues 649-669): EQAVQGLKQI[His659Arg]QQLYDRQLYR

ClinVar aggregate classification (germline): Uncertain significance (1 of 4 stars; one submission).

Allele frequency attached by ClinVar (database versions not stated): gnomAD exomes 0.00001.

Submission:

Labcorp Genetics (formerly Invitae), Labcorp
Classification: Uncertain significance. Last evaluated: 2024-10-24. Review status: criteria provided, single submitter. Criteria: Invitae Variant Classification Sherloc (09022015). Collection method: clinical testing. Allele origin: germline.
Comment: This sequence change replaces histidine, which is basic and polar, with arginine, which is basic and polar, at codon 659 of the TBCD protein (p.His659Arg). This variant is present in population databases (no rsID available, gnomAD 0.0009%). This variant has not been reported in the literature in individuals affected with TBCD-related conditions. ClinVar contains an entry for this variant (Variation ID: 2113345). Invitae Evidence Modeling of protein sequence and biophysical properties (such as structural, functional, and spatial information, amino acid conservation, physicochemical variation, residue mobility, and thermodynamic stability) has been performed for this missense variant. However, the output from this modeling did not meet the statistical confidence thresholds required to predict the impact of this variant on TBCD protein function. In summary, the available evidence is currently insufficient to determine the role of this variant in disease. Therefore, it has been classified as a Variant of Uncertain Significance.